The following is an entry in ClinVar:

ClinVar aggregate classification (germline): Uncertain significance (1 of 4 stars; one submission).

Submission:

GeneDx
Classification: Uncertain significance. Last evaluated: 2024-07-02. Review status: criteria provided, single submitter. Criteria: GeneDx Variant Classification Process June 2021. Collection method: clinical testing. Allele origin: germline. Affected: yes.
Comment: Not observed at significant frequency in large population cohorts (gnomAD); In silico analysis supports that this missense variant has a deleterious effect on protein structure/function; Has not been previously published as pathogenic or benign to our knowledge

NM_012208.4(HARS2):c.1154T>C (p.Ile385Thr)

Gene: HARS2 (histidyl-tRNA synthetase 2, mitochondrial; plus strand). Cytogenetic location: 5q31.3.
Variant type: single nucleotide variant.
Coding change: c.1154T>C on transcript NM_012208.4 (MANE Select); coding-DNA position 1154, T replaced by C.
Protein change: p.Ile385Thr; replaces isoleucine 385 with threonine.
Molecular consequence: missense variant.
Genome position (GRCh38, 1-based): chr5:140,697,363, T>C. VCF-style: chr5-140697363-T-C. GRCh37 (hg19) VCF-style: chr5-140076948-T-C.
Other names: c.1079T>C, p.Ile360Thr (NM_001278731.2); c.722T>C, p.Ile241Thr (NM_001278732.2); c.1172T>C, p.Ile391Thr (NM_001363535.2); c.944T>C, p.Ile315Thr (NM_001363536.2); short protein forms I360T, I241T, I315T, I385T, I391T.
Identifiers: ClinVar variation 3393765 (VCV003393765.1).
Genomic context (GRCh38, chr5:140,697,363, plus strand): 5'-ATGGGCTGGTGGGCATGTTTGACCCCAAGGGCCACAAGGTGCCATGTGTGGGACTCAGCA[T>C]TGGGGTTGAGCGAATCTTCTACATTGTGGAGCAGAGGATGAAGGTAGGTCCTAGATAGGT-3'
Protein context (NP_036340.1, residues 375-395): GHKVPCVGLS[Ile385Thr]GVERIFYIVE